The following is an entry in ClinVar:

NM_015065.3(EXPH5):c.3859G>A (p.Glu1287Lys)

Gene: EXPH5 (exophilin 5; minus strand). Cytogenetic location: 11q22.3.
Variant type: single nucleotide variant.
Coding change: c.3859G>A on transcript NM_015065.3 (MANE Select); coding-DNA position 3859, G replaced by A.
Protein change: p.Glu1287Lys; replaces glutamic acid 1287 with lysine.
Molecular consequence: missense variant.
Genome position (GRCh38, 1-based): chr11:108,511,648, C>T on the plus strand (G>A on the coding strand, the complement: EXPH5 is on the minus strand). VCF-style: chr11-108511648-C-T. GRCh37 (hg19) VCF-style: chr11-108382375-C-T.
Other names: c.3631G>A, p.Glu1211Lys (NM_001144763.2); c.3391G>A, p.Glu1131Lys (NM_001144764.2); c.3295G>A, p.Glu1099Lys (NM_001144765.2); c.3838G>A, p.Glu1280Lys (NM_001308019.2); c.3859G>A (NM_015065.2); short protein forms E1099K, E1211K, E1280K, E1131K, E1287K.
Identifiers: ClinVar variation 2063741 (VCV002063741.6), dbSNP rs114496868, ClinGen allele CA6267626.

ClinVar aggregate classification (germline): Benign/Likely benign. Review status: criteria provided, multiple submitters, no conflicts (2 of 4 stars). 3 submissions from 3 submitters: Benign (1); Likely benign (1). 1 of the submissions does not count toward it. Last evaluated 2024-10-10.

Conditions:
EXPH5-related disorder. Also called: EXPH5-related condition.

Allele frequency attached by ClinVar (database versions not stated): ESP Exome Variant Server 0.00008; gnomAD exomes 0.00046; gnomAD 0.00050; TOPMed 0.00063; ExAC 0.00096; 1000 Genomes Project 30x 0.00187; 1000 Genomes Project 0.00220.
gnomAD v4.1: 764 of 1,609,066 alleles (0.047%); highest among the groups gnomAD compares: East Asian, 1.6%; 8 homozygotes.

Submissions (3):

Blueprint Genetics
Classification: Likely benign. Last evaluated: 2024-10-10. Review status: criteria provided, single submitter. Criteria: ACMG Guidelines, 2015. Collection method: clinical testing. Allele origin: germline.

Labcorp Genetics (formerly Invitae), Labcorp
Classification: Benign. Last evaluated: 2024-05-25. Review status: criteria provided, single submitter. Criteria: Invitae Variant Classification Sherloc (09022015). Collection method: clinical testing. Allele origin: germline.

PreventionGenetics, part of Exact Sciences
Classification: Likely benign for EXPH5-related condition. Last evaluated: 2024-08-27. Review status: no assertion criteria provided. Collection method: clinical testing. Allele origin: germline. Not counted in ClinVar's aggregate classification.
Comment: This variant is classified as likely benign based on ACMG/AMP sequence variant interpretation guidelines (Richards et al. 2015 PMID: 25741868, with internal and published modifications).